The following is an entry in ClinVar:

NM_001273.5(CHD4):c.5639C>T (p.Pro1880Leu)

Genes: CHD4 (chromodomain helicase DNA binding protein 4; minus strand), CHD4-AS1 (CHD4 antisense RNA 1; plus strand). Cytogenetic location: 12p13.31.
Variant type: single nucleotide variant.
Coding change: c.5639C>T on transcript NM_001273.5 (MANE Select); coding-DNA position 5639, C replaced by T.
Protein change: p.Pro1880Leu; replaces proline 1880 with leucine.
Molecular consequence: missense variant.
Genome position (GRCh38, 1-based): chr12:6,570,951, G>A on the plus strand (C>T on the coding strand, the complement: CHD4 is on the minus strand). VCF-style: chr12-6570951-G-A. GRCh37 (hg19) VCF-style: chr12-6680117-G-A.
Other names: c.5618C>T, p.Pro1873Leu (NM_001297553.2); c.5609C>T, p.Pro1870Leu (NM_001363606.2); short protein forms P1870L, P1873L, P1880L.
Identifiers: ClinVar variation 3370522 (VCV003370522.1).
Genomic context (GRCh38, chr12:6,570,951, plus strand): 5'-GCCCGGTTTGCCAGGCGGCTGAGAATGTTACGCTCTGACATCTGTAACCTCACAGCAACT[G>A]GGGGAATTCGGGCAATGGTAGCTGGGAGTCGAGTCACATCAGCTTTCATGTCACTCAGCA-3'
Protein context (NP_001264.2, residues 1870-1890): RLPATIARIP[Pro1880Leu]VAVRLQMSER

ClinVar aggregate classification (germline): Uncertain significance (1 of 4 stars; one submission).

Submission:

GeneDx
Classification: Uncertain significance. Last evaluated: 2024-03-05. Review status: criteria provided, single submitter. Criteria: GeneDx Variant Classification Process June 2021. Collection method: clinical testing. Allele origin: germline. Affected: yes.
Comment: Not observed at significant frequency in large population cohorts (gnomAD); In silico analysis supports that this missense variant has a deleterious effect on protein structure/function; Has not been previously published as pathogenic or benign to our knowledge